The following is an entry in ClinVar:

NM_001365536.1(SCN9A):c.3080C>T (p.Ala1027Val)

Genes: SCN1A-AS1 (SCN1A and SCN9A antisense RNA 1; plus strand), SCN9A (sodium voltage-gated channel alpha subunit 9; minus strand). Cytogenetic location: 2q24.3.
Variant type: single nucleotide variant.
Coding change: c.3080C>T on transcript NM_001365536.1 (MANE Select); coding-DNA position 3080, C replaced by T.
Protein change: p.Ala1027Val; replaces alanine 1027 with valine.
Molecular consequence: missense variant.
Genome position (GRCh38, 1-based): chr2:166,272,670, G>A on the plus strand (C>T on the coding strand, the complement: SCN9A is on the minus strand). VCF-style: chr2-166272670-G-A. GRCh37 (hg19) VCF-style: chr2-167129180-G-A.
Other names: c.3047C>T, p.Ala1016Val (NM_002977.4); short protein forms A1027V, A1016V.
Identifiers: ClinVar variation 1464194 (VCV001464194.8), dbSNP rs1574844017, ClinGen allele CA349074002.

ClinVar aggregate classification (germline): Uncertain significance (1 of 4 stars; one submission).

Conditions:
Neuropathy, hereditary sensory and autonomic, type 2A (HSAN2A). Also called: WNK1-Related HSAN2 (HSAN2A); HSAN IIA; ACROOSTEOLYSIS, GIACCAI TYPE; ACROOSTEOLYSIS, NEUROGENIC; MORVAN DISEASE; NEUROPATHY, CONGENITAL SENSORY. Identifiers: Orphanet 970, MedGen C2752089, MONDO:0024309, OMIM 201300.
Generalized epilepsy with febrile seizures plus, type 7 (GEFSP7). Also called: GEFS+, TYPE 7. Identifiers: Orphanet 36387, MedGen C2751778, MONDO:0013470, OMIM 613863.

gnomAD v4.1: 1 of 1,611,636 alleles (0.000062%); no homozygotes.

Submission:

Labcorp Genetics (formerly Invitae), Labcorp
Classification: Uncertain significance for Neuropathy, hereditary sensory and autonomic, type 2A; Generalized epilepsy with febrile seizures plus, type 7. Last evaluated: 2021-03-15. Review status: criteria provided, single submitter. Criteria: Invitae Variant Classification Sherloc (09022015). Collection method: clinical testing. Allele origin: germline.
Comment: In summary, the available evidence is currently insufficient to determine the role of this variant in disease. Therefore, it has been classified as a Variant of Uncertain Significance. Algorithms developed to predict the effect of missense changes on protein structure and function output the following: SIFT: "Tolerated"; PolyPhen-2: "Benign"; Align-GVGD: "Class C0". The valine amino acid residue is found in multiple mammalian species, suggesting that this missense change does not adversely affect protein function. These predictions have not been confirmed by published functional studies and their clinical significance is uncertain. This variant has not been reported in the literature in individuals with SCN9A-related conditions. This variant is not present in population databases (ExAC no frequency). This sequence change replaces alanine with valine at codon 1016 of the SCN9A protein (p.Ala1016Val). The alanine residue is weakly conserved and there is a small physicochemical difference between alanine and valine.